The following is an entry in ClinVar:

NM_001211.6(BUB1B):c.2047T>C (p.Ser683Pro)

Gene: BUB1B (BUB1 mitotic checkpoint serine/threonine kinase B; plus strand). Cytogenetic location: 15q15.1.
Variant type: single nucleotide variant.
Coding change: c.2047T>C on transcript NM_001211.6 (MANE Select); coding-DNA position 2047, T replaced by C.
Protein change: p.Ser683Pro; replaces serine 683 with proline.
Molecular consequence: missense variant.
Genome position (GRCh38, 1-based): chr15:40,208,674, T>C. VCF-style: chr15-40208674-T-C. GRCh37 (hg19) VCF-style: chr15-40500875-T-C.
Other names: short protein forms S683P.
Identifiers: ClinVar variation 5033491 (VCV005033491.1).

ClinVar aggregate classification (germline): Uncertain significance (1 of 4 stars; one submission).

Conditions:
Inborn genetic diseases. Identifiers: MedGen C0950123, MeSH D030342.

gnomAD v4.1: 1 of 1,613,906 alleles (0.000062%); highest among the groups gnomAD compares: African/African-American, 0.0013%; no homozygotes.

Submission:

Ambry Genetics
Classification: Uncertain significance for Inborn genetic diseases. Last evaluated: 2026-08-08. Review status: criteria provided, single submitter. Criteria: Ambry Variant Classification Scheme 2023. Collection method: clinical testing. Allele origin: germline.
Comment: The p.S683P variant (also known as c.2047T>C), located in coding exon 16 of the BUB1B gene, results from a T to C substitution at nucleotide position 2047. The serine at codon 683 is replaced by proline, an amino acid with similar properties. This amino acid position is conserved. In addition, this alteration is predicted to be tolerated by in silico analysis. Based on the available evidence, the clinical significance of this variant remains unclear.